The following is an entry in ClinVar:

ClinVar aggregate classification (germline): Uncertain significance (1 of 4 stars; one submission).

Conditions:
Tuberous sclerosis 2 (TSC2). Identifiers: Orphanet 805, MedGen C1860707, MONDO:0013199, OMIM 613254.

Submission:

Labcorp Genetics (formerly Invitae), Labcorp
Classification: Uncertain significance for Tuberous sclerosis 2. Last evaluated: 2021-08-07. Review status: criteria provided, single submitter. Criteria: Invitae Variant Classification Sherloc (09022015). Collection method: clinical testing. Allele origin: germline.
Comment: This variant has not been reported in the literature in individuals affected with TSC2-related conditions. In summary, the available evidence is currently insufficient to determine the role of this variant in disease. Therefore, it has been classified as a Variant of Uncertain Significance. Advanced modeling of protein sequence and biophysical properties (such as structural, functional, and spatial information, amino acid conservation, physicochemical variation, residue mobility, and thermodynamic stability) performed at Invitae indicates that this missense variant is not expected to disrupt TSC2 protein function. This variant is not present in population databases (ExAC no frequency). This sequence change replaces serine with cysteine at codon 701 of the TSC2 protein (p.Ser701Cys). The serine residue is weakly conserved and there is a moderate physicochemical difference between serine and cysteine.

NM_000548.5(TSC2):c.2102C>G (p.Ser701Cys)

Gene: TSC2 (TSC complex subunit 2; plus strand). Cytogenetic location: 16p13.3.
Variant type: single nucleotide variant.
Coding change: c.2102C>G on transcript NM_000548.5 (MANE Select); coding-DNA position 2102, C replaced by G.
Protein change: p.Ser701Cys; replaces serine 701 with cysteine.
Molecular consequence: missense variant.
Genome position (GRCh38, 1-based): chr16:2,072,245, C>G. VCF-style: chr16-2072245-C-G. GRCh37 (hg19) VCF-style: chr16-2122246-C-G.
Other names: c.2102C>G, p.Ser701Cys (NM_001077183.3, NM_001114382.3, NM_001363528.2 and 3 more transcripts); c.1991C>G, p.Ser664Cys (NM_001318827.2); c.1955C>G, p.Ser652Cys (NM_001318829.2); c.1502C>G, p.Ser501Cys (NM_001318831.2); c.2135C>G, p.Ser712Cys (NM_001318832.2); short protein forms S664C, S501C, S701C, S652C, S712C.
Identifiers: ClinVar variation 1373176 (VCV001373176.6), dbSNP rs1044030046, ClinGen allele CA394274756.